The following is an entry in ClinVar:

ClinVar aggregate classification (germline): Conflicting classifications of pathogenicity. Review status: criteria provided, conflicting classifications (1 of 4 stars). 8 submissions from 8 submitters: Likely pathogenic (4); Uncertain significance (2). 2 of the submissions do not count toward it. Last evaluated 2025-12-22.

Conditions:
CFTR-related disorder (CFTR-RD). Also called: CFTR-related disorders; CFTR-related condition. Identifiers: MedGen C5924204, MONDO:7770004.
Cystic fibrosis (CF). Also called: MUCOVISCIDOSIS. Identifiers: Orphanet 586, MedGen C0010674, MONDO:0009061, OMIM 219700. Disease mechanism: loss of function.
Congenital bilateral aplasia of vas deferens from CFTR mutation (CBAVD). Identifiers: Orphanet 48, MedGen C0403814, MONDO:0010178, OMIM 277180. Disease mechanism: loss of function.

Allele frequency attached by ClinVar (database versions not stated): gnomAD exomes 0.00001 and below 0.00001; ExAC 0.00002.
gnomAD v4.1: 2 of 1,613,576 alleles (0.00012%); highest among the groups gnomAD compares: Admixed American, 0.0017%; no homozygotes.

Submissions (8):

Natera, Inc.
Classification: Likely pathogenic for CFTR-related disorders. Last evaluated: 2025-12-22. Review status: criteria provided, single submitter. Criteria: Natera Variant Classification Schema (03/2026). Collection method: clinical testing. Allele origin: germline.
Comment: The c.3047T>C variant in CFTR is a missense variant predicted to cause substitution of phenylalanine to serine at amino acid 1016. This variant is rare in the general population with a frequency below the threshold expected for the associated phenotype(s). This variant has been observed in one or more individuals affected with the associated recessive disease, as either homozygous or compound heterozygous with a second variant (PMID: 15365999). Functional studies show that this variant may disrupt protein function (PMID: 30046002). Computational prediction algorithms indicate this variant is likely to affect gene or protein function. Given the available evidence, this variant is classified as Likely Pathogenic.

Women's Health and Genetics/Laboratory Corporation of America, LabCorp
Classification: Uncertain significance. Last evaluated: 2025-12-09. Review status: criteria provided, single submitter. Criteria: LabCorp Variant Classification Summary - May 2015. Collection method: clinical testing. Allele origin: germline.
Comment: Variant summary: CFTR c.3047T>C (p.Phe1016Ser) results in a non-conservative amino acid change in the encoded protein sequence. Algorithms developed to predict the effect of missense changes on protein structure and function all suggest that this variant is likely to be disruptive. The variant allele was found at a frequency of 8e-06 in 251134 control chromosomes. These data do not allow any conclusion about variant significance. Functional studies report this variant to result in decreased CFTR activity (Han_2018, Bihler_2024). The following publications have been ascertained in the context of this evaluation (PMID: 15365999, 15300780, 18556774, 25735457, 26574590, 27214204, 30046002, 38388235). ClinVar contains an entry for this variant (Variation ID: 53640). Based on the evidence outlined above, the variant was classified as VUS-possibly pathogenic.

Ambry Genetics
Classification: Likely pathogenic for Cystic fibrosis. Last evaluated: 2023-01-31. Review status: criteria provided, single submitter. Criteria: Ambry Variant Classification Scheme 2023. Collection method: clinical testing. Allele origin: germline.
Comment: The p.F1016S variant (also known as c.3047T>C), located in coding exon 19 of the CFTR gene, results from a T to C substitution at nucleotide position 3047. The phenylalanine at codon 1016 is replaced by serine, an amino acid with highly dissimilar properties. This variant has been detected in conjunction with p.L102R in the CFTR gene in multiple individuals; family studies indicated that these two variants are on the same chromosome (Ambry internal data). This variant was first reported in an individual with cystic fibrosis in conjunction with a frameshift variant (Alper OM et al. Hum. Mutat., 2004 Oct;24:353). This variant has also been detected in an individual with an abnormal newborn screening with elevated sweat chloride levels and pancreatic insufficiency in conjunction with p.L102R and p.F508del (Salinas DB et al. PLoS One, 2016 May;11:e0155624). In CFBE cells, this variant had significantly reduced CFTR function compared to wild type, and the function improved with CFTR modulators (Han ST et al. JCI Insight, 2018 07;3:). This variant is considered to be rare based on population cohorts in the Genome Aggregation Database (gnomAD). This amino acid position is highly conserved in available vertebrate species. In addition, this alteration is predicted to be deleterious by in silico analysis. Based on the majority of available evidence to date, this variant is likely to be pathogenic.

Johns Hopkins Genomics, Johns Hopkins University
Classification: Likely pathogenic for Cystic fibrosis. Last evaluated: 2022-12-27. Review status: criteria provided, single submitter. Criteria: ACMG Guidelines, 2015. Collection method: clinical testing. Allele origin: germline.
Comment: CFTR variant associated with varying clinical consequence. See CFTR2 for phenotype information.

Labcorp Genetics (formerly Invitae), Labcorp
Classification: Uncertain significance for Cystic fibrosis. Last evaluated: 2021-08-20. Review status: criteria provided, single submitter. Criteria: Invitae Variant Classification Sherloc (09022015). Collection method: clinical testing. Allele origin: germline.
Comment: Algorithms developed to predict the effect of missense changes on protein structure and function are either unavailable or do not agree on the potential impact of this missense change (SIFT: "Deleterious"; PolyPhen-2: "Benign"; Align-GVGD: "Class C55"). ClinVar contains an entry for this variant (Variation ID: 53640). This variant has been observed in individual(s) with clinical features of cystic fibrosis (PMID: 15365999, 27214204; Invitae). This variant is present in population databases (rs397508488, ExAC 0.009%). This sequence change replaces phenylalanine with serine at codon 1016 of the CFTR protein (p.Phe1016Ser). The phenylalanine residue is highly conserved and there is a large physicochemical difference between phenylalanine and serine. Experimental studies have shown that this variant affects CFTR function (PMID: 30046002). In summary, the available evidence is currently insufficient to determine the role of this variant in disease. Therefore, it has been classified as a Variant of Uncertain Significance.

Baylor Genetics
Classification: Likely pathogenic for Congenital bilateral aplasia of vas deferens from CFTR mutation; Cystic fibrosis. Review status: criteria provided, single submitter. Criteria: ACMG Guidelines, 2015. Collection method: clinical testing. Allele origin: germline.

Counsyl
Classification: Uncertain significance for Cystic fibrosis. Last evaluated: 2017-10-24. Review status: no assertion criteria provided. Collection method: clinical testing. Allele origin: unknown. Not counted in ClinVar's aggregate classification.

ClinVar Staff, National Center for Biotechnology Information (NCBI)
No classification provided. Condition: CFTR-related disorders. Review status: no classification provided. Collection method: literature only. Allele origin: germline. Affected: yes. Not counted in ClinVar's aggregate classification.

Literature cited by the submitters: PubMed 15365999 (cited by 6 submitters); PubMed 30046002 (cited by 4 submitters); PubMed 15300780 (cited by Women's Health and Genetics/Laboratory Corporation of America, LabCorp and Ambry Genetics); PubMed 18556774 (cited by Women's Health and Genetics/Laboratory Corporation of America, LabCorp); PubMed 25735457 (cited by Women's Health and Genetics/Laboratory Corporation of America, LabCorp); PubMed 26574590 (cited by 3 submitters); PubMed 27214204 (cited by 3 submitters); PubMed 38388235 (cited by Women's Health and Genetics/Laboratory Corporation of America, LabCorp).

NM_000492.4(CFTR):c.3047T>C (p.Phe1016Ser)

Genes: CFTR (CF transmembrane conductance regulator; plus strand), CFTR-AS2 (CFTR antisense RNA 2; minus strand), LOC111674472 (DNase I hypersensitive sites in introns 16 and 17a of CFTR; plus strand). Cytogenetic location: 7q31.2.
Variant type: single nucleotide variant.
Coding change: c.3047T>C on transcript NM_000492.4 (MANE Select); coding-DNA position 3047, T replaced by C.
Protein change: p.Phe1016Ser; replaces phenylalanine 1016 with serine.
Molecular consequence: missense variant.
Genome position (GRCh38, 1-based): chr7:117,610,577, T>C. VCF-style: chr7-117610577-T-C. GRCh37 (hg19) VCF-style: chr7-117250631-T-C.
Other names: short protein forms F1016S.
Identifiers: ClinVar variation 53640 (VCV000053640.21), dbSNP rs397508488, ClinGen allele CA327027.
Genomic context (GRCh38, chr7:117,610,577, plus strand): 5'-AGTTGTTATTAATTGTGATTGGAGCTATAGCAGTTGTCGCAGTTTTACAACCCTACATCT[T>C]TGTTGCAACAGTGCCAGTGATAGTGGCTTTTATTATGTTGAGAGCATATTTCCTCCAAAC-3'
Protein context (NP_000483.3, residues 1006-1026): AVVAVLQPYI[Phe1016Ser]VATVPVIVAF